The following is an entry in ClinVar:

ClinVar aggregate classification (germline): Uncertain significance (1 of 4 stars; one submission).

Allele frequency attached by ClinVar (database versions not stated): gnomAD exomes below 0.00001.
gnomAD v4.1: 1 of 1,614,044 alleles (0.000062%); highest among the groups gnomAD compares: Non-Finnish European, 0.000085%; no homozygotes.

Submission:

Labcorp Genetics (formerly Invitae), Labcorp
Classification: Uncertain significance. Last evaluated: 2023-04-04. Review status: criteria provided, single submitter. Criteria: Invitae Variant Classification Sherloc (09022015). Collection method: clinical testing. Allele origin: germline.
Comment: In summary, the available evidence is currently insufficient to determine the role of this variant in disease. Therefore, it has been classified as a Variant of Uncertain Significance. Advanced modeling of protein sequence and biophysical properties (such as structural, functional, and spatial information, amino acid conservation, physicochemical variation, residue mobility, and thermodynamic stability) performed at Invitae indicates that this missense variant is not expected to disrupt KMT2A protein function. This variant has not been reported in the literature in individuals affected with KMT2A-related conditions. This variant is not present in population databases (gnomAD no frequency). This sequence change replaces glutamic acid, which is acidic and polar, with lysine, which is basic and polar, at codon 2442 of the KMT2A protein (p.Glu2442Lys).

NM_001197104.2(KMT2A):c.7324G>A (p.Glu2442Lys)

Gene: KMT2A (lysine methyltransferase 2A; plus strand). Cytogenetic location: 11q23.3.
Variant type: single nucleotide variant.
Coding change: c.7324G>A on transcript NM_001197104.2 (MANE Select); coding-DNA position 7324, G replaced by A.
Protein change: p.Glu2442Lys; replaces glutamic acid 2442 with lysine.
Molecular consequence: missense variant.
Genome position (GRCh38, 1-based): chr11:118,503,216, G>A. VCF-style: chr11-118503216-G-A. GRCh37 (hg19) VCF-style: chr11-118373931-G-A.
Other names: c.7414G>A, p.Glu2472Lys (NM_001412597.1); c.7315G>A, p.Glu2439Lys (NM_005933.4); short protein forms E2439K, E2472K, E2442K.
Identifiers: ClinVar variation 2852084 (VCV002852084.3), dbSNP rs2134391174, ClinGen allele CA382805113.